The following is an entry in ClinVar:

NM_001130009.3(GEN1):c.1892A>G (p.Gln631Arg)

Gene: GEN1 (GEN1 structure-specific endonuclease; plus strand). Cytogenetic location: 2p24.2.
Variant type: single nucleotide variant.
Coding change: c.1892A>G on transcript NM_001130009.3 (MANE Select); coding-DNA position 1892, A replaced by G.
Protein change: p.Gln631Arg; replaces glutamine 631 with arginine.
Molecular consequence: missense variant.
Genome position (GRCh38, 1-based): chr2:17,781,104, A>G. VCF-style: chr2-17781104-A-G. GRCh37 (hg19) VCF-style: chr2-17962371-A-G.
Other names: c.1892A>G, p.Gln631Arg (NM_182625.5); short protein forms Q631R.
Identifiers: ClinVar variation 972369 (VCV000972369.10), dbSNP rs767885752, ClinGen allele CA1540848.

ClinVar aggregate classification (germline): Uncertain significance (1 of 4 stars; one submission).

Allele frequency attached by ClinVar (database versions not stated): gnomAD exomes below 0.00001; ExAC 0.00001.
gnomAD v4.1: 1 of 1,613,712 alleles (0.000062%); highest among the groups gnomAD compares: Non-Finnish European, 0.000085%; no homozygotes.

Submission:

Labcorp Genetics (formerly Invitae), Labcorp
Classification: Uncertain significance. Last evaluated: 2022-07-25. Review status: criteria provided, single submitter. Criteria: Invitae Variant Classification Sherloc (09022015). Collection method: clinical testing. Allele origin: germline.
Comment: In summary, the available evidence is currently insufficient to determine the role of this variant in disease. Therefore, it has been classified as a Variant of Uncertain Significance. Algorithms developed to predict the effect of missense changes on protein structure and function output the following: SIFT: "Deleterious"; PolyPhen-2: "Benign"; Align-GVGD: "Class C0". The arginine amino acid residue is found in multiple mammalian species, which suggests that this missense change does not adversely affect protein function. ClinVar contains an entry for this variant (Variation ID: 972369). This variant has not been reported in the literature in individuals affected with GEN1-related conditions. This variant is present in population databases (rs767885752, gnomAD 0.0009%). This sequence change replaces glutamine, which is neutral and polar, with arginine, which is basic and polar, at codon 631 of the GEN1 protein (p.Gln631Arg).